The following is an entry in ClinVar:

ClinVar aggregate classification (germline): Uncertain significance (1 of 4 stars; one submission).

Conditions:
Cardiovascular phenotype. Identifiers: MedGen CN230736.
Hereditary cancer-predisposing syndrome. Also called: Tumor predisposition; Hereditary neoplastic syndrome; Neoplastic Syndromes, Hereditary; Hereditary Cancer Syndrome. Identifiers: Orphanet 140162, MedGen C0027672, MeSH D009386, MONDO:0015356.

gnomAD v4.1: 2 of 1,612,930 alleles (0.00012%); highest among the groups gnomAD compares: Non-Finnish European, 0.00017%; no homozygotes.

Submission:

Ambry Genetics
Classification: Uncertain significance for Cardiovascular phenotype; Hereditary cancer-predisposing syndrome. Last evaluated: 2025-05-24. Review status: criteria provided, single submitter. Criteria: Ambry Variant Classification Scheme 2023. Collection method: clinical testing. Allele origin: germline.
Comment: The p.H501Y variant (also known as c.1501C>T), located in coding exon 13 of the NF1 gene, results from a C to T substitution at nucleotide position 1501. The histidine at codon 501 is replaced by tyrosine, an amino acid with similar properties. This amino acid position is conserved. In addition, the in silico prediction for this alteration is inconclusive. Based on the available evidence, the clinical significance of this variant remains unclear.

NM_001042492.3(NF1):c.1501C>T (p.His501Tyr)

Gene: NF1 (neurofibromin 1; plus strand). Cytogenetic location: 17q11.2.
Variant type: single nucleotide variant.
Coding change: c.1501C>T on transcript NM_001042492.3 (MANE Select); coding-DNA position 1501, C replaced by T.
Protein change: p.His501Tyr; replaces histidine 501 with tyrosine.
Molecular consequence: missense variant.
Genome position (GRCh38, 1-based): chr17:31,214,559, C>T. VCF-style: chr17-31214559-C-T. GRCh37 (hg19) VCF-style: chr17-29541577-C-T.
Other names: c.1501C>T, p.His501Tyr (NM_000267.4, NM_001128147.3); short protein forms H501Y.
Identifiers: ClinVar variation 4007441 (VCV004007441.1).